The following is an entry in ClinVar:

NM_138395.4(MARS2):c.410_411delinsTA (p.Arg137Leu)

Gene: MARS2 (methionyl-tRNA synthetase 2, mitochondrial; plus strand). Cytogenetic location: 2q33.1.
Variant type: Indel.
Coding change: c.410_411delinsTA on transcript NM_138395.4 (MANE Select); coding-DNA positions 410 to 411, GC replaced by TA.
Protein change: p.Arg137Leu; replaces arginine 137 with leucine.
Molecular consequence: missense variant.
Genome position (GRCh38, 1-based): chr2:197,705,815-197,705,816, GC replaced by TA. VCF-style: chr2-197705815-GC-TA. GRCh37 (hg19) VCF-style: chr2-198570539-GC-TA.
Other names: short protein forms R137L.
Identifiers: ClinVar variation 1316553 (VCV001316553.9), dbSNP rs2106292719, ClinGen allele CA2573051828.
Genomic context (GRCh38, chr2:197,705,815, plus strand): 5'-TCTCTGAGCAGTTCCAGCAGCTTTTCCAGGAGGCCGGTATCTCCTGCACAGATTTCATCC[GC>TA]ACCACGGAGGCCCGGCACCGGGTGGCTGTGCAGCACTTCTGGGGGGTGCTTAAGTCCCGC-3'
Protein context (NP_612404.1, residues 127-147): EAGISCTDFI[Arg137Leu]TTEARHRVAV

ClinVar aggregate classification (germline): Uncertain significance. Review status: criteria provided, multiple submitters, no conflicts (2 of 4 stars). 3 submissions from 3 submitters: Uncertain significance (3). Last evaluated 2026-08-29.

Submissions (3):

GeneDx
Classification: Uncertain significance. Last evaluated: 2026-08-29. Review status: criteria provided, single submitter. Criteria: GeneDx Variant Classification Process June 2021. Collection method: clinical testing. Allele origin: germline.
Comment: In silico analysis supports a deleterious effect on protein structure/function; Has not been previously published as pathogenic or benign to our knowledge

Labcorp Genetics (formerly Invitae), Labcorp
Classification: Uncertain significance. Last evaluated: 2024-09-01. Review status: criteria provided, single submitter. Criteria: Invitae Variant Classification Sherloc (09022015). Collection method: clinical testing. Allele origin: germline.
Comment: This sequence change replaces arginine, which is basic and polar, with leucine, which is neutral and non-polar, at codon 137 of the MARS2 protein (p.Arg137Leu). This variant is present in population databases (no rsID available, gnomAD 0.004%). This variant has not been reported in the literature in individuals affected with MARS2-related conditions. ClinVar contains an entry for this variant (Variation ID: 1316553). An algorithm developed to predict the effect of missense changes on protein structure and function (PolyPhen-2) suggests that this variant is likely to be disruptive. In summary, the available evidence is currently insufficient to determine the role of this variant in disease. Therefore, it has been classified as a Variant of Uncertain Significance.

Blueprint Genetics
Classification: Uncertain significance. Last evaluated: 2023-08-24. Review status: criteria provided, single submitter. Criteria: ACMG Guidelines, 2015. Collection method: clinical testing. Allele origin: germline.